The following is an entry in ClinVar:

ClinVar aggregate classification (germline): Pathogenic. Review status: criteria provided, multiple submitters, no conflicts (2 of 4 stars). 2 submissions from 2 submitters: Pathogenic (2). Last evaluated 2024-01-22.

Conditions:
Hereditary cancer-predisposing syndrome. Also called: Neoplastic Syndromes, Hereditary; Tumor predisposition; Hereditary Cancer Syndrome; Hereditary neoplastic syndrome. Identifiers: Orphanet 140162, MedGen C0027672, MeSH D009386, MONDO:0015356.
Familial cancer of breast. Also called: BREAST CANCER, FAMILIAL; hereditary breast carcinoma; Hereditary breast cancer. Identifiers: Orphanet 227535, MedGen C0346153, MONDO:0016419, OMIM 114480. Disease mechanism: loss of function.

Submissions (2):

Myriad Genetics, Inc.
Classification: Pathogenic for Familial cancer of breast. Last evaluated: 2024-01-22. Review status: criteria provided, single submitter. Criteria: Myriad Autosomal Dominant, Autosomal Recessive and X-Linked Classification Criteria (2023). Collection method: clinical testing. Allele origin: unknown.
Comment: This variant is considered pathogenic. This variant creates a frameshift predicted to result in premature protein truncation.

Ambry Genetics
Classification: Pathogenic for Hereditary cancer-predisposing syndrome. Last evaluated: 2021-02-19. Review status: criteria provided, single submitter. Criteria: Ambry Variant Classification Scheme 2023. Collection method: clinical testing. Allele origin: germline.
Comment: The c.3617_3621delTAGAAinsG pathogenic mutation, located in coding exon 24 of the ATM gene, results from the deletion of 5 nucleotides and insertion of one nucleotide causing a translational frameshift with a predicted alternate stop codon (p.L1206Wfs*8). This alteration is expected to result in loss of function by premature protein truncation or nonsense-mediated mRNA decay. As such, this alteration is interpreted as a disease-causing mutation.

NM_000051.4(ATM):c.3617_3621delinsG (p.Leu1206fs)

Gene: ATM (ATM serine/threonine kinase; plus strand). Cytogenetic location: 11q22.3.
Variant type: Indel.
Coding change: c.3617_3621delinsG on transcript NM_000051.4 (MANE Select); coding-DNA positions 3617 to 3621, TAGAA replaced by G.
Protein change: p.Leu1206fs; shifts the reading frame from leucine 1206.
Molecular consequence: frameshift variant.
Genome position (GRCh38, 1-based): chr11:108,282,750-108,282,754, TAGAA replaced by G. VCF-style: chr11-108282750-TAGAA-G. GRCh37 (hg19) VCF-style: chr11-108153477-TAGAA-G.
Other names: c.3617_3621delinsG, p.Leu1206fs (NM_001351834.2); c.3617_3621delTAGAAinsG (NM_000051.3); short protein forms L1206fs.
Identifiers: ClinVar variation 233996 (VCV000233996.5), dbSNP rs876660783, ClinGen allele CA10579117.